The following is an entry in ClinVar:

NM_012401.4(PLXNB2):c.3162C>T (p.Val1054=)

Gene: PLXNB2 (plexin B2; minus strand). Cytogenetic location: 22q13.33.
Variant type: single nucleotide variant.
Coding change: c.3162C>T on transcript NM_012401.4 (MANE Select); coding-DNA position 3162, C replaced by T.
Protein change: p.Val1054=; no amino-acid change (valine 1054 retained).
Molecular consequence: synonymous variant.
Genome position (GRCh38, 1-based): chr22:50,282,037, G>A on the plus strand (C>T on the coding strand, the complement: PLXNB2 is on the minus strand). VCF-style: chr22-50282037-G-A. GRCh37 (hg19) VCF-style: chr22-50720466-G-A.
Other names: c.3399C>T, p.Val1133= (NM_001376864.1); c.3231C>T, p.Val1077= (NM_001376865.1); c.3162C>T, p.Val1054= (NM_001376866.1, NM_001376867.1, NM_001376868.1 and 17 more transcripts); c.3069C>T, p.Val1023= (NM_001376886.1).
Identifiers: ClinVar variation 4822861 (VCV004822861.4).

ClinVar aggregate classification (germline): Likely benign (1 of 4 stars; one submission).

gnomAD v4.1: 29 of 1,612,768 alleles (0.0018%); highest among the groups gnomAD compares: Admixed American, 0.04%; no homozygotes.

Submission:

CeGaT Center for Human Genetics Tuebingen
Classification: Likely benign. Last evaluated: 2026-02-01. Review status: criteria provided, single submitter. Criteria: CeGaT Center For Human Genetics Tuebingen Variant Classification Criteria Version 2. Collection method: clinical testing. Allele origin: germline. Affected: yes. Observed: 1 variant allele.
Comment: PLXNB2: BP4, BP7